The following is an entry in ClinVar:

ClinVar aggregate classification (germline): Uncertain significance (1 of 4 stars; one submission).

Conditions:
Catecholaminergic polymorphic ventricular tachycardia 1. Also called: RYR2-Related Catecholaminergic Polymorphic Ventricular Tachycardia; VENTRICULAR TACHYCARDIA, STRESS-INDUCED POLYMORPHIC 1; VENTRICULAR TACHYCARDIA, CATECHOLAMINERGIC POLYMORPHIC, 1, WITH OR WITHOUT ATRIAL DYSFUNCTION AND/OR DILATED CARDIOMYOPATHY. Identifiers: Orphanet 3286, MedGen C1631597, MONDO:0011484, OMIM 604772.

Submission:

Labcorp Genetics (formerly Invitae), Labcorp
Classification: Uncertain significance for Catecholaminergic polymorphic ventricular tachycardia 1. Last evaluated: 2021-12-08. Review status: criteria provided, single submitter. Criteria: Invitae Variant Classification Sherloc (09022015). Collection method: clinical testing. Allele origin: germline.
Comment: This variant is not present in population databases (gnomAD no frequency). This variant has not been reported in the literature in individuals affected with RYR2-related conditions. Advanced modeling of protein sequence and biophysical properties (such as structural, functional, and spatial information, amino acid conservation, physicochemical variation, residue mobility, and thermodynamic stability) performed at Invitae indicates that this missense variant is expected to disrupt RYR2 protein function. In summary, the available evidence is currently insufficient to determine the role of this variant in disease. Therefore, it has been classified as a Variant of Uncertain Significance. This sequence change replaces leucine, which is neutral and non-polar, with proline, which is neutral and non-polar, at codon 918 of the RYR2 protein (p.Leu918Pro).

NM_001035.3(RYR2):c.2753T>C (p.Leu918Pro)

Gene: RYR2 (ryanodine receptor 2; plus strand). Cytogenetic location: 1q43.
Variant type: single nucleotide variant.
Coding change: c.2753T>C on transcript NM_001035.3 (MANE Select); coding-DNA position 2753, T replaced by C.
Protein change: p.Leu918Pro; replaces leucine 918 with proline.
Molecular consequence: missense variant.
Genome position (GRCh38, 1-based): chr1:237,511,722, T>C. VCF-style: chr1-237511722-T-C. GRCh37 (hg19) VCF-style: chr1-237675022-T-C.
Other names: short protein forms L918P.
Identifiers: ClinVar variation 1417794 (VCV001417794.7), dbSNP rs2147767632, ClinGen allele CA345383320.